The following is an entry in ClinVar:

ClinVar aggregate classification (germline): Uncertain significance (1 of 4 stars; one submission).

Submission:

Labcorp Genetics (formerly Invitae), Labcorp
Classification: Uncertain significance. Last evaluated: 2025-01-21. Review status: criteria provided, single submitter. Criteria: Invitae Variant Classification Sherloc (09022015). Collection method: clinical testing. Allele origin: germline.
Comment: This sequence change replaces glutamic acid, which is acidic and polar, with lysine, which is basic and polar, at codon 729 of the RASA2 protein (p.Glu729Lys). This variant is not present in population databases (gnomAD no frequency). This variant has not been reported in the literature in individuals affected with RASA2-related conditions. Invitae Evidence Modeling of protein sequence and biophysical properties (such as structural, functional, and spatial information, amino acid conservation, physicochemical variation, residue mobility, and thermodynamic stability) indicates that this missense variant is not expected to disrupt RASA2 protein function with a negative predictive value of 80%. In summary, the available evidence is currently insufficient to determine the role of this variant in disease. Therefore, it has been classified as a Variant of Uncertain Significance.

NM_006506.5(RASA2):c.2185G>A (p.Glu729Lys)

Gene: RASA2 (RAS p21 protein activator 2; plus strand). Cytogenetic location: 3q23.
Variant type: single nucleotide variant.
Coding change: c.2185G>A on transcript NM_006506.5 (MANE Select); coding-DNA position 2185, G replaced by A.
Protein change: p.Glu729Lys; replaces glutamic acid 729 with lysine.
Molecular consequence: missense variant.
Genome position (GRCh38, 1-based): chr3:141,608,657, G>A. VCF-style: chr3-141608657-G-A. GRCh37 (hg19) VCF-style: chr3-141327499-G-A.
Other names: c.2188G>A, p.Glu730Lys (NM_001303245.3); c.2197G>A, p.Glu733Lys (NM_001303246.3); short protein forms E729K, E730K, E733K.
Identifiers: ClinVar variation 3676591 (VCV003676591.2).